The following is an entry in ClinVar:

NM_002878.4(RAD51D):c.668-13C>T

Genes: RAD51L3-RFFL (RAD51L3-RFFL readthrough; minus strand), RAD51D (RAD51 paralog D; minus strand). Cytogenetic location: 17q12.
Variant type: single nucleotide variant.
Coding change: c.668-13C>T on transcript NM_002878.4 (MANE Select); 13 bases into the intron before coding-DNA position 668, C replaced by T.
Molecular consequence: intron variant.
Genome position (GRCh38, 1-based): chr17:35,103,337, G>A on the plus strand (C>T on the coding strand, the complement: RAD51D is on the minus strand). VCF-style: chr17-35103337-G-A. GRCh37 (hg19) VCF-style: chr17-33430356-G-A.
Other names: c.332-13C>T (NM_133629.3); c.728-13C>T (NM_001142571.2).
Identifiers: ClinVar variation 920352 (VCV000920352.11), dbSNP rs765122620, ClinGen allele CA8499381.

ClinVar aggregate classification (germline): Likely benign. Review status: criteria provided, multiple submitters, no conflicts (2 of 4 stars). 3 submissions from 3 submitters: Likely benign (3). Last evaluated 2025-02-24.

Conditions:
Hereditary cancer-predisposing syndrome. Also called: Neoplastic Syndromes, Hereditary; Tumor predisposition; Hereditary Cancer Syndrome; Hereditary neoplastic syndrome. Identifiers: Orphanet 140162, MedGen C0027672, MeSH D009386, MONDO:0015356.
Breast-ovarian cancer, familial, susceptibility to, 4. Identifiers: Orphanet 145, MedGen C3280345, MONDO:0013669, OMIM 614291.

Allele frequency attached by ClinVar (database versions not stated): ExAC below 0.00001; gnomAD exomes below 0.00001; gnomAD 0.00001; TOPMed 0.00001.
gnomAD v4.1: 4 of 1,612,478 alleles (0.00025%); highest among the groups gnomAD compares: African/African-American, 0.0053%; no homozygotes.

Submissions (3):

Myriad Genetics, Inc.
Classification: Likely benign for Breast-ovarian cancer, familial, susceptibility to, 4. Last evaluated: 2025-02-24. Review status: criteria provided, single submitter. Criteria: Myriad Autosomal Dominant, Autosomal Recessive and X-Linked Classification Criteria (2023). Collection method: clinical testing. Allele origin: unknown.
Comment: This variant is considered likely benign. This variant is intronic and is not expected to impact mRNA splicing.

Labcorp Genetics (formerly Invitae), Labcorp
Classification: Likely benign for Breast-ovarian cancer, familial, susceptibility to, 4. Last evaluated: 2024-11-11. Review status: criteria provided, single submitter. Criteria: Invitae Variant Classification Sherloc (09022015). Collection method: clinical testing. Allele origin: germline.

Color Diagnostics, LLC DBA Color Health
Classification: Likely benign for Hereditary cancer-predisposing syndrome. Last evaluated: 2019-10-29. Review status: criteria provided, single submitter. Criteria: ACMG Guidelines, 2015. Collection method: clinical testing. Allele origin: germline.